The following is an entry in ClinVar:

NM_000287.4(PEX6):c.517del (p.Ser173fs)

Gene: PEX6 (peroxisomal biogenesis factor 6; minus strand). Cytogenetic location: 6p21.1.
Variant type: Deletion.
Coding change: c.517del on transcript NM_000287.4 (MANE Select); coding-DNA position 517, one base deleted (A; older notation c.517delA).
Protein change: p.Ser173fs; shifts the reading frame from serine 173.
Molecular consequence: frameshift variant. On other transcripts: non-coding transcript variant (1).
Genome position (GRCh38, 1-based): chr6:42,978,634, T deleted on the plus strand (A on the coding strand, the reverse complement: PEX6 is on the minus strand). VCF-style (leftmost placement, unchanged base first): chr6-42978633-CT-C. GRCh37 (hg19) VCF-style: chr6-42946371-CT-C.
Other names: c.517del, p.Ser173fs (NM_001316313.2); c.517del (NM_000287.3); short protein forms S173fs.
Identifiers: ClinVar variation 557701 (VCV000557701.16), dbSNP rs61753212, ClinGen allele CA138238129.

ClinVar aggregate classification (germline): Pathogenic/Likely pathogenic. Review status: criteria provided, multiple submitters, no conflicts (2 of 4 stars). 6 submissions from 6 submitters: Pathogenic (4); Likely pathogenic (1). 1 of the submissions does not count toward it. Last evaluated 2025-07-15.

Conditions:
Zellweger spectrum disorders (ZS). Also called: Zellweger Spectrum Disorder; Zellweger Spectrum; Zellweger Spectrum Disorder (ZSD); Zellweger syndrome. Identifiers: Orphanet 912, MedGen C0043459, MONDO:0019609.
Heimler syndrome 2 (HMLR2). Also called: PEROXISOME BIOGENESIS DISORDER 4C. Identifiers: Orphanet 3220, MedGen C4225267, OMIM 616617, MONDO:0014709.
Peroxisome biogenesis disorder 4A (Zellweger) (PBD4A). Also called: Zellweger syndrome spectrum (PEX6-related). Identifiers: Orphanet 912, MedGen C3553936, MONDO:0013930, OMIM 614862. Disease mechanism: loss of function.
Peroxisome biogenesis disorder 4B (PBD4B). Also called: SPINOCEREBELLAR ATAXIA WITH BLINDNESS AND DEAFNESS 1. Identifiers: Orphanet 44, Orphanet 95433, MedGen C3553937, MONDO:0013931, OMIM 614863.
Peroxisome biogenesis disorder. Identifiers: Orphanet 79189, MedGen C1832200, MONDO:0019234. Disease mechanism: loss of function.
PEX6-related disorder. Also called: PEX6-related condition; PEX6-related disorders.

Allele frequency attached by ClinVar (database versions not stated): TOPMed below 0.00001; gnomAD 0.00001; gnomAD exomes 0.00001.

Submissions (6):

Natera, Inc.
Classification: Pathogenic for Zellweger syndrome. Last evaluated: 2025-07-15. Review status: criteria provided, single submitter. Criteria: Natera Variant Classification Schema (03/2026). Collection method: clinical testing. Allele origin: germline.
Comment: The c.517delA variant in PEX6 is a frameshift variant predicted to shift the reading frame beginning at codon 173 and leads to a stop codon 33 codons downstream. This variant is expected to result in nonsense mediated decay, truncation, or a dysfunctional protein product. This variant is rare in the general population with a frequency below the threshold expected for the associated phenotype(s). This variant has been observed in one or more individuals affected with the associated recessive disease, as either homozygous or compound heterozygous with a second variant (PMID: 19877282, 15542397). Given the available evidence, this variant is classified as Pathogenic.

Baylor Genetics
Classification: Pathogenic for Heimler syndrome 2. Last evaluated: 2024-01-08. Review status: criteria provided, single submitter. Criteria: ACMG Guidelines, 2015. Collection method: clinical testing. Allele origin: unknown.

Labcorp Genetics (formerly Invitae), Labcorp
Classification: Pathogenic for Peroxisome biogenesis disorder. Last evaluated: 2023-02-18. Review status: criteria provided, single submitter. Criteria: Invitae Variant Classification Sherloc (09022015). Collection method: clinical testing. Allele origin: germline.
Comment: For these reasons, this variant has been classified as Pathogenic. ClinVar contains an entry for this variant (Variation ID: 557701). This premature translational stop signal has been observed in individual(s) with clinical features of PEX6-related conditions (PMID: 15542397). This variant is present in population databases (rs61753212, gnomAD 0.007%). This sequence change creates a premature translational stop signal (p.Ser173Alafs*33) in the PEX6 gene. It is expected to result in an absent or disrupted protein product. Loss-of-function variants in PEX6 are known to be pathogenic (PMID: 8670792, 19877282, 21031596).

Blueprint Genetics
Classification: Likely pathogenic for PEX6-related disorders. Last evaluated: 2022-01-20. Review status: criteria provided, single submitter. Criteria: ACMG Guidelines, 2015. Collection method: clinical testing. Allele origin: germline. Affected: yes. Observed: 2 variant alleles.

Women's Health and Genetics/Laboratory Corporation of America, LabCorp
Classification: Pathogenic for Peroxisome biogenesis disorder. Last evaluated: 2021-06-11. Review status: criteria provided, single submitter. Criteria: LabCorp Variant Classification Summary - May 2015. Collection method: clinical testing. Allele origin: germline.
Comment: Variant summary: PEX6 c.517delA (p.Ser173AlafsX33) results in a premature termination codon, predicted to cause a truncation of the encoded protein or absence of the protein due to nonsense mediated decay, which are commonly known mechanisms for disease. Truncations downstream of this position have been classified as pathogenic by our laboratory. The variant allele was found at a frequency of 1e-05 in 197224 control chromosomes (gnomAD). c.517delA has been reported in the literature in at least two unrelated, compound heterozygous individuals affected with Zellweger Syndrome (Steinberg 2004, Ebberink 2010). These data indicate that the variant may be associated with disease. To our knowledge, no experimental evidence demonstrating an impact on protein function has been reported. A ClinVar submitter (evaluation after 2014) cites the variant as pathogenic. Based on the evidence outlined above, the variant was classified as pathogenic.

Counsyl
Classification: Pathogenic for Peroxisome biogenesis disorder 4A (Zellweger); Peroxisome biogenesis disorder 4B. Last evaluated: 2018-04-11. Review status: no assertion criteria provided. Collection method: clinical testing. Allele origin: unknown. Not counted in ClinVar's aggregate classification.

Literature cited by the submitters: PubMed 19877282 (cited by 4 submitters); PubMed 15542397 (cited by 4 submitters); PubMed 8670792 (cited by Labcorp Genetics (formerly Invitae), Labcorp); PubMed 21031596 (cited by Labcorp Genetics (formerly Invitae), Labcorp); PubMed 31980526 (cited by Women's Health and Genetics/Laboratory Corporation of America, LabCorp).